The following is an entry in ClinVar:

NM_000132.4(F8):c.83_87del (p.Ala28fs)

Gene: F8 (coagulation factor VIII; minus strand). Cytogenetic location: Xq28.
Variant type: Deletion.
Coding change: c.83_87del on transcript NM_000132.4 (MANE Select); coding-DNA positions 83 to 87, 5 bases deleted (CAGTG; older notation c.83_87delCAGTG).
Protein change: p.Ala28fs; shifts the reading frame from alanine 28.
Molecular consequence: frameshift variant.
Genome position (GRCh38, 1-based): chrX:155,022,466-155,022,470, CACTG deleted on the plus strand (CAGTG on the coding strand, the reverse complement: F8 is on the minus strand); deleting any 5 consecutive bases within chrX:155,022,466-155,022,473 gives the same sequence; the c. name uses the placement nearest the transcript's 3' end. VCF-style (leftmost placement, unchanged base first): chrX-155022465-CCACTG-C. GRCh37 (hg19) VCF-style: chrX-154250740-CCACTG-C.
Other names: short protein forms A28fs.
Identifiers: ClinVar variation 812039 (VCV000812039.8), dbSNP rs1603437863, ClinGen allele CA915952172.

ClinVar aggregate classification (germline): Likely pathogenic (1 of 4 stars; one submission).

Conditions:
Hereditary factor VIII deficiency disease (HEMA). Also called: AUTOSOMAL HEMOPHILIA A; Hemophilia A; HEMOPHILIA, CLASSIC; Hemophilia A, congenital; HEM A; Factor 8 deficiency, congenital. Identifiers: Orphanet 98878, MedGen C0019069, MONDO:0010602, OMIM 306700.

Submission:

ARUP Laboratories, Molecular Genetics and Genomics, ARUP Laboratories
Classification: Likely pathogenic for Hereditary factor VIII deficiency disease. Last evaluated: 2019-05-15. Review status: criteria provided, single submitter. Criteria: ARUP Molecular Germline Variant Investigation Process. Collection method: clinical testing. Allele origin: germline.
Comment: The F8 c.83_87delCAGTG; p.Ala28fs variant, to our knowledge, is not reported in the medical literature or gene-specific databases. This variant is also absent from general population databases (Exome Variant Server, Genome Aggregation Database), indicating it is not a common polymorphism. This variant causes a frameshift by deleting five nucleotides, so it is predicted to result in a truncated protein or mRNA subject to nonsense-mediated decay. Based on available information, this variant is considered to be likely pathogenic.